The following is an entry in ClinVar:

NM_001077653.2(TBX20):c.734A>G (p.Asn245Ser)

Gene: TBX20 (T-box transcription factor 20; minus strand). Cytogenetic location: 7p14.2.
Variant type: single nucleotide variant.
Coding change: c.734A>G on transcript NM_001077653.2 (MANE Select); coding-DNA position 734, A replaced by G.
Protein change: p.Asn245Ser; replaces asparagine 245 with serine.
Molecular consequence: missense variant.
Genome position (GRCh38, 1-based): chr7:35,240,958, T>C on the plus strand (A>G on the coding strand, the complement: TBX20 is on the minus strand). VCF-style: chr7-35240958-T-C. GRCh37 (hg19) VCF-style: chr7-35280570-T-C.
Other names: c.734A>G, p.Asn245Ser (NM_001166220.1); short protein forms N245S.
Identifiers: ClinVar variation 3621064 (VCV003621064.2).

ClinVar aggregate classification (germline): Uncertain significance (1 of 4 stars; one submission).

gnomAD v4.1: 5 of 1,613,692 alleles (0.00031%); highest among the groups gnomAD compares: South Asian, 0.0011%; no homozygotes.

Submission:

Labcorp Genetics (formerly Invitae), Labcorp
Classification: Uncertain significance. Last evaluated: 2024-12-12. Review status: criteria provided, single submitter. Criteria: Invitae Variant Classification Sherloc (09022015). Collection method: clinical testing. Allele origin: germline.
Comment: This sequence change replaces asparagine, which is neutral and polar, with serine, which is neutral and polar, at codon 245 of the TBX20 protein (p.Asn245Ser). This variant is present in population databases (no rsID available, gnomAD 0.0009%). This variant has not been reported in the literature in individuals affected with TBX20-related conditions. Invitae Evidence Modeling of protein sequence and biophysical properties (such as structural, functional, and spatial information, amino acid conservation, physicochemical variation, residue mobility, and thermodynamic stability) indicates that this missense variant is not expected to disrupt TBX20 protein function with a negative predictive value of 80%. In summary, the available evidence is currently insufficient to determine the role of this variant in disease. Therefore, it has been classified as a Variant of Uncertain Significance.